The following is an entry in ClinVar:

NM_198859.4(PRICKLE2):c.2092G>A (p.Ala698Thr)

Genes: PRICKLE2 (prickle planar cell polarity protein 2; minus strand), PRICKLE2-AS1 (PRICKLE2 antisense RNA 1; plus strand). Cytogenetic location: 3p14.1.
Variant type: single nucleotide variant.
Coding change: c.2092G>A on transcript NM_198859.4 (MANE Select); coding-DNA position 2092, G replaced by A.
Protein change: p.Ala698Thr; replaces alanine 698 with threonine.
Molecular consequence: missense variant. On other transcripts: non-coding transcript variant (1).
Genome position (GRCh38, 1-based): chr3:64,099,494, C>T on the plus strand (G>A on the coding strand, the complement: PRICKLE2 is on the minus strand). VCF-style: chr3-64099494-C-T. GRCh37 (hg19) VCF-style: chr3-64085170-C-T.
Other names: c.2092G>A, p.Ala698Thr (NM_001370528.1); short protein forms A698T.
Identifiers: ClinVar variation 900241 (VCV000900241.11), dbSNP rs763974341, ClinGen allele CA2479494.

ClinVar aggregate classification (germline): Uncertain significance. Review status: criteria provided, multiple submitters, no conflicts (2 of 4 stars). 2 submissions from 2 submitters: Uncertain significance (2). Last evaluated 2024-06-21.

Conditions:
Progressive myoclonic epilepsy. Also called: Myoclonus epilepsy; Familial progressive myoclonic epilepsy; Myoclonic Epilepsies, Progressive; Progressive myoclonus epilepsy. Identifiers: Orphanet 308, Orphanet 98261, MedGen C0751778, MONDO:0020074.
Progressive myoclonic epilepsy type 5. Identifiers: Orphanet 402082, MedGen C5190799.

Allele frequency attached by ClinVar (database versions not stated): gnomAD 0.00001; TOPMed 0.00002; ExAC 0.00003; gnomAD exomes 0.00003 and 0.00004.
gnomAD v4.1: 52 of 1,592,386 alleles (0.0033%); highest among the groups gnomAD compares: Admixed American, 0.0068%; no homozygotes.

Submissions (2):

Labcorp Genetics (formerly Invitae), Labcorp
Classification: Uncertain significance for Progressive myoclonic epilepsy type 5. Last evaluated: 2024-06-21. Review status: criteria provided, single submitter. Criteria: Invitae Variant Classification Sherloc (09022015). Collection method: clinical testing. Allele origin: germline.
Comment: This sequence change replaces alanine, which is neutral and non-polar, with threonine, which is neutral and polar, at codon 698 of the PRICKLE2 protein (p.Ala698Thr). This variant is present in population databases (rs763974341, gnomAD 0.008%). This variant has not been reported in the literature in individuals affected with PRICKLE2-related conditions. ClinVar contains an entry for this variant (Variation ID: 900241). Advanced modeling of protein sequence and biophysical properties (such as structural, functional, and spatial information, amino acid conservation, physicochemical variation, residue mobility, and thermodynamic stability) performed at Invitae indicates that this missense variant is not expected to disrupt PRICKLE2 protein function with a negative predictive value of 80%. In summary, the available evidence is currently insufficient to determine the role of this variant in disease. Therefore, it has been classified as a Variant of Uncertain Significance.

Illumina Laboratory Services, Illumina
Classification: Uncertain significance for Progressive myoclonic epilepsy. Last evaluated: 2018-01-13. Review status: criteria provided, single submitter. Criteria: ICSL Variant Classification Criteria 13 December 2019. Collection method: clinical testing. Allele origin: germline.